The following is an entry in ClinVar:

NM_172245.4(CSF2RA):c.341C>G (p.Ser114Ter)

Gene: CSF2RA (colony stimulating factor 2 receptor subunit alpha; plus strand). Cytogenetic location: Xp22.33.
Variant type: single nucleotide variant.
Coding change: c.341C>G on transcript NM_172245.4 (MANE Select); coding-DNA position 341, C replaced by G.
Protein change: p.Ser114Ter; replaces serine 114 with a stop codon.
Molecular consequence: nonsense. On other transcripts: 5 prime UTR variant (1), non-coding transcript variant (1).
Genome position (GRCh38, 1-based): chrX:1,288,640, C>G. VCF-style: chrX-1288640-C-G. GRCh37 (hg19) VCF-style: chrX-1407533-C-G.
Other names: c.341C>G, p.Ser114Ter (NM_001161529.2, NM_001161530.2, NM_001161531.2 and 21 more transcripts); c.-59C>G (NM_001161532.2); short protein forms S114*.
Identifiers: ClinVar variation 2062607 (VCV002062607.4), dbSNP rs750023118, ClinGen allele CA10330755.

ClinVar aggregate classification (germline): Pathogenic (1 of 4 stars; one submission).

Conditions:
Surfactant metabolism dysfunction, pulmonary, 4 (SMDP4). Also called: CSF2RA DEFICIENCY; PAP DUE TO CSF2RA DEFICIENCY; PULMONARY ALVEOLAR PROTEINOSIS, CONGENITAL, 4. Identifiers: Orphanet 264675, MedGen C2677877, MONDO:0010424, OMIM 300770.

Allele frequency attached by ClinVar (database versions not stated): ExAC 0.00003.
gnomAD v4.1: 7 of 1,613,954 alleles (0.00043%); highest among the groups gnomAD compares: Admixed American, 0.012%; no homozygotes.

Submission:

Labcorp Genetics (formerly Invitae), Labcorp
Classification: Pathogenic for Surfactant metabolism dysfunction, pulmonary, 4. Last evaluated: 2025-06-22. Review status: criteria provided, single submitter. Criteria: Invitae Variant Classification Sherloc (09022015). Collection method: clinical testing. Allele origin: germline.
Comment: This sequence change creates a premature translational stop signal (p.Ser114*) in the CSF2RA gene. It is expected to result in an absent or disrupted protein product. Loss-of-function variants in CSF2RA are known to be pathogenic (PMID: 20622029, 25425184). This variant is present in population databases (no rsID available, gnomAD 0.02%). This variant has not been reported in the literature in individuals affected with CSF2RA-related conditions. ClinVar contains an entry for this variant (Variation ID: 2062607). For these reasons, this variant has been classified as Pathogenic.

Literature cited by the submitters: PubMed 20622029; PubMed 25425184.